The following is an entry in ClinVar:

NM_007194.4(CHEK2):c.1591G>T (p.Glu531Ter)

Gene: CHEK2 (checkpoint kinase 2; minus strand). Cytogenetic location: 22q12.1.
Variant type: single nucleotide variant.
Coding change: c.1591G>T on transcript NM_007194.4 (MANE Select); coding-DNA position 1591, G replaced by T.
Protein change: p.Glu531Ter; replaces glutamic acid 531 with a stop codon.
Molecular consequence: nonsense.
Genome position (GRCh38, 1-based): chr22:28,687,938, C>A on the plus strand (G>T on the coding strand, the complement: CHEK2 is on the minus strand). VCF-style: chr22-28687938-C-A. GRCh37 (hg19) VCF-style: chr22-29083926-C-A.
Other names: c.1720G>T, p.Glu574Ter (NM_001005735.3); c.928G>T, p.Glu310Ter (NM_001257387.3); c.1390G>T, p.Glu464Ter (NM_001349956.3); c.1504G>T, p.Glu502Ter (NM_145862.3); short protein forms E531*, E310*, E502*, E464*, E574*.
Identifiers: ClinVar variation 231117 (VCV000231117.18), dbSNP rs587781710, ClinGen allele CA10581021.
Genomic context (GRCh38, chr22:28,687,938, plus strand): 5'-CGTGTTCAAACCACGGAGTTCACAACACAGCAGCACACACAGCTGGGCGCTTTGTGGTCT[C>A]GGCACCCTCGGCTTCCCCTTCACGGGGCCGCTTTCGACTAGTAGAAGGCTGAAAATAAAG-3'

ClinVar aggregate classification (germline): Uncertain significance. Review status: criteria provided, multiple submitters, no conflicts (2 of 4 stars). 7 submissions from 7 submitters: Uncertain significance (5). 2 of the submissions do not count toward it. Last evaluated 2025-09-14.

Conditions:
Hereditary cancer-predisposing syndrome. Also called: Neoplastic Syndromes, Hereditary; Tumor predisposition; Hereditary Cancer Syndrome; Hereditary neoplastic syndrome. Identifiers: Orphanet 140162, MedGen C0027672, MeSH D009386, MONDO:0015356.
Familial cancer of breast. Also called: BREAST CANCER, FAMILIAL; hereditary breast carcinoma; Hereditary breast cancer. Identifiers: Orphanet 227535, MedGen C0346153, MONDO:0016419, OMIM 114480. Disease mechanism: loss of function.

gnomAD v4.1: 3 of 1,596,382 alleles (0.00019%); highest among the groups gnomAD compares: Non-Finnish European, 0.00025%; no homozygotes.

Submissions (7):

Labcorp Genetics (formerly Invitae), Labcorp
Classification: Uncertain significance for Familial cancer of breast. Last evaluated: 2025-09-14. Review status: criteria provided, single submitter. Criteria: Invitae Variant Classification Sherloc (09022015). Collection method: clinical testing. Allele origin: germline.
Comment: This sequence change creates a premature translational stop signal (p.Glu531*) in the CHEK2 gene. While this is not anticipated to result in nonsense mediated decay, it is expected to disrupt the last 13 amino acid(s) of the CHEK2 protein. The frequency data for this variant in the population databases is considered unreliable, as metrics indicate poor data quality at this position in the gnomAD database. This premature translational stop signal has been observed in individual(s) with breast cancer (PMID: 29522266). ClinVar contains an entry for this variant (Variation ID: 231117). Experimental studies and prediction algorithms are not available or were not evaluated, and the functional significance of this variant is currently unknown. In summary, the available evidence is currently insufficient to determine the role of this variant in disease. Therefore, it has been classified as a Variant of Uncertain Significance.

Ambry Genetics
Classification: Uncertain significance for Hereditary cancer-predisposing syndrome. Last evaluated: 2025-08-26. Review status: criteria provided, single submitter. Criteria: Ambry Variant Classification Scheme 2023. Collection method: clinical testing. Allele origin: germline.
Comment: The p.E531* variant (also known as c.1591G>T), located in coding exon 14 of the CHEK2 gene, results from a G to T substitution at nucleotide position 1591. This changes the amino acid from a glutamic acid to a stop codon within coding exon 14. This alteration occurs at the 3' terminus of theCHEK2 gene, is not expected to trigger nonsense-mediated mRNAdecay, and only impacts the last 13 amino acids of the protein. The exact functional effect of this alteration is unknown. Based on the available evidence, the clinical significance of this variant remains unclear.

Color Diagnostics, LLC DBA Color Health
Classification: Uncertain significance for Hereditary cancer-predisposing syndrome. Last evaluated: 2024-08-19. Review status: criteria provided, single submitter. Criteria: ACMG Guidelines, 2015. Collection method: clinical testing. Allele origin: germline.
Comment: This variant changes 1 nucleotide in exon 15 of the CHEK2 gene, creating a premature translation stop signal in the last exon. This variant is expected to result in a truncated protein product that lacks the last 13 amino acids. To our knowledge, functional studies have not been reported for this variant. This variant has been reported in an individual affected with breast cancer (PMID: 29522266). This variant has been identified in 1/233650 chromosomes in the general population by the Genome Aggregation Database (gnomAD). Loss of CHEK2 function is a known mechanism of disease. The available evidence is insufficient to determine the role of this variant in disease conclusively. Therefore, this variant is classified as a Variant of Uncertain Significance.

Baylor Genetics
Classification: Uncertain significance for Familial cancer of breast. Last evaluated: 2023-12-04. Review status: criteria provided, single submitter. Criteria: ACMG Guidelines, 2015. Collection method: clinical testing. Allele origin: unknown.

GeneDx
Classification: Uncertain significance. Last evaluated: 2017-04-06. Review status: criteria provided, single submitter. Criteria: GeneDx Variant Classification (06012015). Collection method: clinical testing. Allele origin: germline. Affected: yes.
Comment: This variant is denoted CHEK2 c.1591G>T at the cDNA level and p.Glu531Ter (E531X) at the protein level. The substitution creates a nonsense variant, which changes a Glutamic Acid to a premature stop codon (GAG>TAG). CHEK2 Glu531Ter has not, to our knowledge, been reported in the literature. Due to the position of the variant, nonsense mediated decay is not expected to occur, but it might cause loss of normal protein function through protein truncation. The disrupted region at the end of the gene is not conserved and is not within a known functional domain. This variant was not observed in large population cohorts (NHLBI Exome Sequencing Project, The 1000 Genomes Consortium 2015, Lek 2016). Based on currently available information, we consider CHEK2 Glu531Ter to be a variant of uncertain significance.

Diagnostic Laboratory, Department of Genetics, University Medical Center Groningen
Classification: Uncertain significance. Review status: no assertion criteria provided. Collection method: clinical testing. Allele origin: germline. Affected: yes. Study: VKGL Data-share Consensus. Not counted in ClinVar's aggregate classification.

Joint Genome Diagnostic Labs from Nijmegen and Maastricht, Radboudumc and MUMC+
Classification: Uncertain significance. Review status: no assertion criteria provided. Collection method: clinical testing. Allele origin: germline. Affected: yes. Study: VKGL Data-share Consensus. Not counted in ClinVar's aggregate classification.

Literature cited by the submitters: PubMed 29522266 (cited by 3 submitters).